The following is an entry in ClinVar:

ClinVar aggregate classification (germline): Uncertain significance. Review status: criteria provided, multiple submitters, no conflicts (2 of 4 stars). 4 submissions from 4 submitters: Uncertain significance (4). Last evaluated 2025-12-14.

Conditions:
SETD5-related disorder. Also called: SETD5-related disorders; SETD5-related condition.
Inborn genetic diseases. Identifiers: MedGen C0950123, MeSH D030342.
Intellectual disability-facial dysmorphism syndrome due to SETD5 haploinsufficiency (MRD23). Also called: Intellectual developmental disorder, autosomal dominant 23. Identifiers: Orphanet 404440, MedGen C3810406, MONDO:0014336, OMIM 615761.

gnomAD v4.1: 4 of 1,613,494 alleles (0.00025%); highest among the groups gnomAD compares: African/African-American, 0.0027%; no homozygotes.

Submissions (4):

Dasa
Classification: Uncertain significance for Intellectual disability-facial dysmorphism syndrome due to SETD5 haploinsufficiency. Last evaluated: 2025-12-14. Review status: criteria provided, single submitter. Criteria: DASA Assertion Criteria. Collection method: clinical testing. Allele origin: germline.
Comment: NM_001080517.3(SETD5):c.775G>A (p.Ala259Thr) is a missense variant that results in the substitution of alanine with threonine. This variant is rare in population databases. The currently available literature and clinical evidence are not sufficient to establish a definitive association between this variant and the reported condition. Therefore, this variant is classified as a variant of uncertain significance.

PreventionGenetics, part of Exact Sciences
Classification: Uncertain significance for SETD5-related condition. Last evaluated: 2025-06-24. Review status: criteria provided, single submitter. Criteria: ACMG Guidelines, 2015. Collection method: clinical testing. Allele origin: germline.
Comment: The SETD5 c.775G>A variant is predicted to result in the amino acid substitution p.Ala259Thr. To our knowledge, this variant has not been reported in the literature. This variant is reported in 0.00089% of alleles in individuals of European (Non-Finnish) descent in gnomAD. At this time, the clinical significance of this variant is uncertain due to the absence of conclusive functional and genetic evidence.

Ambry Genetics
Classification: Uncertain significance for Inborn genetic diseases. Last evaluated: 2024-07-26. Review status: criteria provided, single submitter. Criteria: Ambry Variant Classification Scheme 2023. Collection method: clinical testing. Allele origin: germline.

GeneDx
Classification: Uncertain significance. Last evaluated: 2024-01-21. Review status: criteria provided, single submitter. Criteria: GeneDx Variant Classification Process June 2021. Collection method: clinical testing. Allele origin: germline. Affected: yes.
Comment: Not observed at significant frequency in large population cohorts (gnomAD); In silico analysis supports that this missense variant does not alter protein structure/function; Has not been previously published as pathogenic or benign to our knowledge

NM_001080517.3(SETD5):c.775G>A (p.Ala259Thr)

Gene: SETD5 (SET domain containing 5; plus strand). Cytogenetic location: 3p25.3.
Variant type: single nucleotide variant.
Coding change: c.775G>A on transcript NM_001080517.3 (MANE Select); coding-DNA position 775, G replaced by A.
Protein change: p.Ala259Thr; replaces alanine 259 with threonine.
Molecular consequence: missense variant.
Genome position (GRCh38, 1-based): chr3:9,440,663, G>A. VCF-style: chr3-9440663-G-A. GRCh37 (hg19) VCF-style: chr3-9482347-G-A.
Other names: c.481G>A, p.Ala161Thr (NM_001292043.2, NM_001349451.2); c.775G>A (NM_001080517.1); short protein forms A161T, A259T.
Identifiers: ClinVar variation 2635025 (VCV002635025.6), dbSNP rs367686844, ClinGen allele CA2239006.